The following is an entry in ClinVar:

NM_022437.3(ABCG8):c.1768A>G (p.Ile590Val)

Gene: ABCG8 (ATP binding cassette subfamily G member 8; plus strand). Cytogenetic location: 2p21.
Variant type: single nucleotide variant.
Coding change: c.1768A>G on transcript NM_022437.3 (MANE Select); coding-DNA position 1768, A replaced by G.
Protein change: p.Ile590Val; replaces isoleucine 590 with valine.
Molecular consequence: missense variant.
Genome position (GRCh38, 1-based): chr2:43,877,572, A>G. VCF-style: chr2-43877572-A-G. GRCh37 (hg19) VCF-style: chr2-44104711-A-G.
Other names: c.1765A>G, p.Ile589Val (NM_001357321.2); short protein forms I589V, I590V.
Identifiers: ClinVar variation 3227779 (VCV003227779.1), dbSNP rs772108785, ClinGen allele CA346670766.
Genomic context (GRCh38, chr2:43,877,572, plus strand): 5'-CATGAGAATATGAGGGACACCTGTGAGTAACGCGGCTGTCTGTCTCCAGTGCCCGCGTGG[A>G]TTTCCAAAGTGTCCTTCCTGCGGTGGTGTTTTGAAGGGCTGATGAAGATTCAGTTCAGCA-3'
Protein context (NP_071882.1, residues 580-600): LSSLWTVPAW[Ile590Val]SKVSFLRWCF

ClinVar aggregate classification (germline): Uncertain significance (1 of 4 stars; one submission).

Conditions:
Cardiovascular phenotype. Identifiers: MedGen CN230736.

Submission:

Ambry Genetics
Classification: Uncertain significance for Cardiovascular phenotype. Last evaluated: 2024-03-07. Review status: criteria provided, single submitter. Criteria: Ambry Variant Classification Scheme 2023. Collection method: clinical testing. Allele origin: germline.
Comment: The p.I590V variant (also known as c.1768A>G), located in coding exon 12 of the ABCG8 gene, results from an A to G substitution at nucleotide position 1768. The isoleucine at codon 590 is replaced by valine, an amino acid with highly similar properties. This amino acid position is conserved. In addition, this alteration is predicted to be tolerated by in silico analysis. Based on the available evidence, the clinical significance of this alteration remains unclear.